The following is an entry in ClinVar:

NM_144498.4(OSBPL2):c.661C>T (p.Leu221=)

Gene: OSBPL2 (oxysterol binding protein like 2; plus strand). Cytogenetic location: 20q13.33.
Variant type: single nucleotide variant.
Coding change: c.661C>T on transcript NM_144498.4 (MANE Select); coding-DNA position 661, C replaced by T.
Protein change: p.Leu221=; no amino-acid change (leucine 221 retained).
Molecular consequence: synonymous variant.
Genome position (GRCh38, 1-based): chr20:62,279,326, C>T. VCF-style: chr20-62279326-C-T. GRCh37 (hg19) VCF-style: chr20-60854382-C-T.
Other names: p.Leu221=; c.385C>T, p.Leu129= (NM_001278649.3, NM_001363878.2); c.625C>T, p.Leu209= (NM_014835.5); c.661C>T (NM_144498.3).
Identifiers: ClinVar variation 667055 (VCV000667055.18), dbSNP rs34295100, ClinGen allele CA9938522.

ClinVar aggregate classification (germline): Benign. Review status: criteria provided, multiple submitters, no conflicts (2 of 4 stars). 5 submissions from 5 submitters: Benign (5). Last evaluated 2026-01-13.

Allele frequency attached by ClinVar (database versions not stated): gnomAD exomes 0.00103 and 0.00292; ExAC 0.00383; 1000 Genomes Project 0.01018; 1000 Genomes Project 30x 0.01062; gnomAD 0.01164 and 0.01258; TOPMed 0.01278; ESP Exome Variant Server 0.01453.
gnomAD v4.1: 3,311 of 1,614,188 alleles (0.21%); highest among the groups gnomAD compares: African/African-American, 4%; 66 homozygotes.

Submissions (5):

Labcorp Genetics (formerly Invitae), Labcorp
Classification: Benign. Last evaluated: 2026-01-13. Review status: criteria provided, single submitter. Criteria: Invitae Variant Classification Sherloc (09022015). Collection method: clinical testing. Allele origin: germline.

Mayo Clinic Laboratories, Mayo Clinic
Classification: Benign. Last evaluated: 2024-10-24. Review status: criteria provided, single submitter. Criteria: ACMG Guidelines, 2015. Collection method: clinical testing. Allele origin: germline. Observed: 1 variant allele.
Comment: BA1, BS2

GeneDx
Classification: Benign. Last evaluated: 2018-07-26. Review status: criteria provided, single submitter. Criteria: GeneDx Variant Classification Process June 2021. Collection method: clinical testing. Allele origin: germline. Affected: yes.

Laboratory for Molecular Medicine, Mass General Brigham Personalized Medicine
Classification: Benign. Last evaluated: 2017-08-23. Review status: criteria provided, single submitter. Criteria: LMM Criteria. Collection method: clinical testing. Allele origin: germline. Observed: 2 variant alleles.
Comment: p.Leu221Leu in exon 7 of OSBPL2: This variant is not expected to have clinical s ignificance because it does not alter an amino acid residue, is not located with in the splice consensus sequence, and has been identified in 4.30% (445/10340) o f African chromosomes by the Exome Aggregation Consortium (ExAC; dbSNP rs34295100).

Breakthrough Genomics
Classification: Benign. Review status: criteria provided, single submitter. Criteria: ACMG Guidelines, 2015. Collection method: not provided. Allele origin: germline. Inheritance: Autosomal dominant inheritance. Affected: yes.